The following is an entry in ClinVar:

NM_173648.4(CCDC141):c.2302C>T (p.Leu768Phe)

Gene: CCDC141 (coiled-coil domain containing 141; minus strand). Cytogenetic location: 2q31.2.
Variant type: single nucleotide variant.
Coding change: c.2302C>T on transcript NM_173648.4 (MANE Select); coding-DNA position 2302, C replaced by T.
Protein change: p.Leu768Phe; replaces leucine 768 with phenylalanine.
Molecular consequence: missense variant.
Genome position (GRCh38, 1-based): chr2:178,869,209, G>A on the plus strand (C>T on the coding strand, the complement: CCDC141 is on the minus strand). VCF-style: chr2-178869209-G-A. GRCh37 (hg19) VCF-style: chr2-179733936-G-A.
Other names: short protein forms L768F.
Identifiers: ClinVar variation 1413679 (VCV001413679.6), dbSNP rs1398065288, ClinGen allele CA349457629.

ClinVar aggregate classification (germline): Uncertain significance (1 of 4 stars; one submission).

Allele frequency attached by ClinVar (database versions not stated): gnomAD exomes below 0.00001; TOPMed 0.00002.
gnomAD v4.1: 1 of 1,613,532 alleles (0.000062%); highest among the groups gnomAD compares: Non-Finnish European, 0.000085%; no homozygotes.

Submission:

Labcorp Genetics (formerly Invitae), Labcorp
Classification: Uncertain significance. Last evaluated: 2024-03-11. Review status: criteria provided, single submitter. Criteria: Invitae Variant Classification Sherloc (09022015). Collection method: clinical testing. Allele origin: germline.
Comment: This sequence change replaces leucine, which is neutral and non-polar, with phenylalanine, which is neutral and non-polar, at codon 768 of the CCDC141 protein (p.Leu768Phe). This variant is not present in population databases (gnomAD no frequency). This variant has not been reported in the literature in individuals affected with CCDC141-related conditions. ClinVar contains an entry for this variant (Variation ID: 1413679). An algorithm developed to predict the effect of missense changes on protein structure and function (PolyPhen-2) suggests that this variant is likely to be disruptive. In summary, the available evidence is currently insufficient to determine the role of this variant in disease. Therefore, it has been classified as a Variant of Uncertain Significance.